The following is an entry in ClinVar:

NM_001378328.1(CELSR1):c.6482G>A (p.Gly2161Asp)

Gene: CELSR1 (cadherin EGF LAG seven-pass G-type receptor 1; minus strand). Cytogenetic location: 22q13.31.
Variant type: single nucleotide variant.
Coding change: c.6482G>A on transcript NM_001378328.1 (MANE Select); coding-DNA position 6482, G replaced by A.
Protein change: p.Gly2161Asp; replaces glycine 2161 with aspartic acid.
Molecular consequence: missense variant.
Genome position (GRCh38, 1-based): chr22:46,389,363, C>T on the plus strand (G>A on the coding strand, the complement: CELSR1 is on the minus strand). VCF-style: chr22-46389363-C-T. GRCh37 (hg19) VCF-style: chr22-46785260-C-T.
Other names: c.6482G>A, p.Gly2161Asp (NM_014246.4); short protein forms G2161D.
Identifiers: ClinVar variation 4279923 (VCV004279923.1).
Genomic context (GRCh38, chr22:46,389,363, plus strand): 5'-GCGTCCTGCGTGGCTGCCAGGTCGAAGCCCTGCTGCCAGCTCTCGTGCTGAAGGACGTGG[C>T]CCAGCAGCTGGTAGGCCGTGCGCACGTCATTGCCAAAGAGCGTGCCCGTGTGCTGTGTAG-3'
Protein context (NP_001365257.1, residues 2151-2171): NDVRTAYQLL[Gly2161Asp]HVLQHESWQQ

ClinVar aggregate classification (germline): Uncertain significance (1 of 4 stars; one submission).

Conditions:
Lymphatic malformation 9. Identifiers: MedGen C5543365, MONDO:0030270, OMIM 619319.

gnomAD v4.1: 24 of 1,610,412 alleles (0.0015%); highest among the groups gnomAD compares: Admixed American, 0.0067%; no homozygotes.

Submission:

Clinical Genomics Laboratory, Washington University in St. Louis
Classification: Uncertain significance for Lymphatic malformation 9. Last evaluated: 2025-02-06. Review status: criteria provided, single submitter. Criteria: ACMG Guidelines, 2015. Collection method: clinical testing. Allele origin: germline.
Comment: A CELSR1 c.6482G>A (p.Gly2161Asp) variant was identified at a near heterozygous allelic fraction of 49.1%, a frequency which may be consistent with germline origin. This variant, to our knowledge has not been reported in the medical literature nor in the ClinVar database. This variant is observed on 24/1,610,412 alleles in the general population (gnomAD v4.1.0), indicating it is not a common variant. Computational predictors suggest that the variant does not impact CELSR1 function. Due to limited information, and based on ACMG/AMP guidelines for variant interpretation (Richards S et al., PMID: 25741868), the clinical significance of the CELSR1 c.6482G>A (p.Gly2161Asp) is uncertain at this time.